The following is an entry in ClinVar:

NM_000179.3(MSH6):c.9A>G (p.Arg3=)

Gene: MSH6 (mutS homolog 6; plus strand). Cytogenetic location: 2p16.3.
Variant type: single nucleotide variant.
Coding change: c.9A>G on transcript NM_000179.3 (MANE Select); coding-DNA position 9, A replaced by G.
Protein change: p.Arg3=; no amino-acid change (arginine 3 retained).
Molecular consequence: synonymous variant. On other transcripts: 5 prime UTR variant (1).
Genome position (GRCh38, 1-based): chr2:47,783,242, A>G. VCF-style: chr2-47783242-A-G. GRCh37 (hg19) VCF-style: chr2-48010381-A-G.
Other names: c.9A>G, p.Arg3= (NM_001281492.2); c.-728A>G (NM_001281493.2).
Identifiers: ClinVar variation 483765 (VCV000483765.17), dbSNP rs1553408080, ClinGen allele CA425986781.

ClinVar aggregate classification (germline): Benign/Likely benign. Review status: criteria provided, multiple submitters, no conflicts (2 of 4 stars). 3 submissions from 3 submitters: Benign (1); Likely benign (2). Last evaluated 2024-12-16.

Conditions:
Hereditary nonpolyposis colorectal neoplasms. Identifiers: MedGen C0009405, MeSH D003123.
Hereditary cancer-predisposing syndrome. Also called: Neoplastic Syndromes, Hereditary; Tumor predisposition; Hereditary Cancer Syndrome; Hereditary neoplastic syndrome. Identifiers: Orphanet 140162, MedGen C0027672, MeSH D009386, MONDO:0015356.
Lynch syndrome 5 (LYNCH5). Also called: Colorectal cancer, hereditary nonpolyposis, type 5; Hereditary non-polyposis colorectal cancer, type 5. Identifiers: Orphanet 144, MedGen C1833477, MONDO:0013710, OMIM 614350. Disease mechanism: loss of function.

Allele frequency attached by ClinVar (database versions not stated): gnomAD exomes below 0.00001.
gnomAD v4.1: 1 of 1,611,578 alleles (0.000062%); highest among the groups gnomAD compares: East Asian, 0.0022%; no homozygotes.

Submissions (3):

Myriad Genetics, Inc.
Classification: Benign for Lynch syndrome 5. Last evaluated: 2024-12-16. Review status: criteria provided, single submitter. Criteria: Myriad Autosomal Dominant, Autosomal Recessive and X-Linked Classification Criteria (2023). Collection method: clinical testing. Allele origin: unknown.
Comment: This variant is considered benign. This variant is a silent/synonymous amino acid change and it is not expected to impact splicing.

Labcorp Genetics (formerly Invitae), Labcorp
Classification: Likely benign for Hereditary nonpolyposis colorectal neoplasms. Last evaluated: 2024-10-07. Review status: criteria provided, single submitter. Criteria: Invitae Variant Classification Sherloc (09022015). Collection method: clinical testing. Allele origin: germline.

Ambry Genetics
Classification: Likely benign for Hereditary cancer-predisposing syndrome. Last evaluated: 2016-01-15. Review status: criteria provided, single submitter. Criteria: Ambry Variant Classification Scheme 2023. Collection method: clinical testing. Allele origin: germline.